The following is an entry in ClinVar:

ClinVar aggregate classification (germline): Likely benign (1 of 4 stars; one submission).

gnomAD v4.1: 7 of 1,231,768 alleles (0.00057%); highest among the groups gnomAD compares: Admixed American, 0.0042%; no homozygotes.

Submission:

CeGaT Center for Human Genetics Tuebingen
Classification: Likely benign. Last evaluated: 2023-03-01. Review status: criteria provided, single submitter. Criteria: CeGaT Center For Human Genetics Tuebingen Variant Classification Criteria Version 2. Collection method: clinical testing. Allele origin: germline. Affected: yes. Observed: 1 variant allele.
Comment: DLGAP2: PM2:Supporting, BP4, BP7

NM_001346810.2(DLGAP2):c.87G>A (p.Thr29=)

Gene: DLGAP2 (DLG associated protein 2; plus strand). Cytogenetic location: 8p23.3.
Variant type: single nucleotide variant.
Coding change: c.87G>A on transcript NM_001346810.2 (MANE Select); coding-DNA position 87, G replaced by A.
Protein change: p.Thr29=; no amino-acid change (threonine 29 retained).
Molecular consequence: synonymous variant.
Genome position (GRCh38, 1-based): chr8:1,258,864, G>A. VCF-style: chr8-1258864-G-A. GRCh37 (hg19) VCF-style: chr8-1208864-G-A.
Identifiers: ClinVar variation 2658290 (VCV002658290.24), dbSNP rs982040763, ClinGen allele CA170291571.